The following is an entry in ClinVar:

NM_194248.3(OTOF):c.149G>A (p.Trp50Ter)

Gene: OTOF (otoferlin; minus strand). Cytogenetic location: 2p23.3.
Variant type: single nucleotide variant.
Coding change: c.149G>A on transcript NM_194248.3 (MANE Select); coding-DNA position 149, G replaced by A.
Protein change: p.Trp50Ter; replaces tryptophan 50 with a stop codon.
Molecular consequence: nonsense.
Genome position (GRCh38, 1-based): chr2:26,527,910, C>T on the plus strand (G>A on the coding strand, the complement: OTOF is on the minus strand). VCF-style: chr2-26527910-C-T. GRCh37 (hg19) VCF-style: chr2-26750778-C-T.
Other names: c.149G>A, p.Trp50Ter (NM_001287489.2); short protein forms W50*.
Identifiers: ClinVar variation 631856 (VCV000631856.21), dbSNP rs202086317, ClinGen allele CA1564785.

ClinVar aggregate classification (germline): Conflicting classifications of pathogenicity. Review status: criteria provided, conflicting classifications (1 of 4 stars). 5 submissions from 5 submitters: Pathogenic (2); Likely pathogenic (2); Uncertain significance (1). Last evaluated 2026-01-18.

Conditions:
Nonsyndromic genetic hearing loss. Also called: Nonsyndromic genetic deafness; Non-syndromic genetic deafness; Nonsyndromic hearing loss and deafness. Identifiers: Orphanet 87884, MedGen C5680182, MONDO:0019497.
Autosomal recessive nonsyndromic hearing loss 9. Also called: Deafness, autosomal recessive 9; NEUROSENSORY NONSYNDROMIC RECESSIVE DEAFNESS 9; AUDITORY NEUROPATHY, AUTOSOMAL RECESSIVE, 1, TEMPERATURE-SENSITIVE; OTOF-Related Hearing Loss. Identifiers: Orphanet 90636, MedGen C1832828, MONDO:0010986, OMIM 601071.
OTOF-related disorder. Also called: OTOF-related condition.

Allele frequency attached by ClinVar (database versions not stated): ExAC 0.00002; gnomAD exomes 0.00003 and 0.00004; TOPMed 0.00003; gnomAD 0.00004.

Submissions (5):

Labcorp Genetics (formerly Invitae), Labcorp
Classification: Pathogenic. Last evaluated: 2026-01-18. Review status: criteria provided, single submitter. Criteria: Invitae Variant Classification Sherloc (09022015). Collection method: clinical testing. Allele origin: germline.
Comment: This sequence change creates a premature translational stop signal (p.Trp50*) in the OTOF gene. It is expected to result in an absent or disrupted protein product. Loss-of-function variants in OTOF are known to be pathogenic (PMID: 18381613, 19250381, 22575033). This variant is present in population databases (rs202086317, gnomAD 0.01%). This variant has not been reported in the literature in individuals affected with OTOF-related conditions. ClinVar contains an entry for this variant (Variation ID: 631856). For these reasons, this variant has been classified as Pathogenic.

Women's Health and Genetics/Laboratory Corporation of America, LabCorp
Classification: Pathogenic for Nonsyndromic genetic hearing loss. Last evaluated: 2025-12-09. Review status: criteria provided, single submitter. Criteria: LabCorp Variant Classification Summary - May 2015. Collection method: clinical testing. Allele origin: germline.
Comment: Variant summary: OTOF c.149G>A (p.Trp50X) results in a premature termination codon, predicted to cause a truncation of the encoded protein or absence of the protein due to nonsense mediated decay, which are commonly known mechanisms for disease. The variant allele was found at a frequency of 3.2e-05 in 251446 control chromosomes. To our knowledge, no occurrence of c.149G>A in individuals affected with OTOF-related conditions and no experimental evidence demonstrating its impact on protein function have been reported. ClinVar contains an entry for this variant (Variation ID: 631856). Based on the evidence outlined above, the variant was classified as pathogenic.

PreventionGenetics, part of Exact Sciences
Classification: Uncertain significance for OTOF-related condition. Last evaluated: 2025-08-07. Review status: criteria provided, single submitter. Criteria: ACMG Guidelines, 2015. Collection method: clinical testing. Allele origin: germline.
Comment: The OTOF c.149G>A variant is predicted to result in premature protein termination (p.Trp50*). To our knowledge, this variant has not been reported in individuals with OTOF-related disorders. This variant occurs in exon 3; to date, no loss-of-function variants prior to exon 7 have been reported in the literature. This variant is reported in 0.012% of alleles in individuals of Latino descent in gnomAD. At this time, the clinical significance of this variant is uncertain due to the absence of conclusive functional and genetic evidence.

Greenwood Genetic Center Diagnostic Laboratories, Greenwood Genetic Center
Classification: Likely pathogenic for Autosomal recessive nonsyndromic hearing loss 9. Last evaluated: 2021-10-29. Review status: criteria provided, single submitter. Criteria: ACMG Guidelines, 2015. Collection method: clinical testing. Allele origin: germline. Affected: yes.
Comment: PVS1, PM2

GeneDx
Classification: Likely pathogenic. Last evaluated: 2019-09-17. Review status: criteria provided, single submitter. Criteria: GeneDx Variant Classification (06012015). Collection method: clinical testing. Allele origin: germline. Affected: yes.
Comment: Nonsense variant predicted to result in protein truncation or nonsense mediated decay in a gene for which loss-of-function is a known mechanism of disease; Not observed at a significant frequency in large population cohorts (Lek et al., 2016); Has not been previously published as pathogenic or benign to our knowledge

Literature cited by the submitters: PubMed 18381613 (cited by Labcorp Genetics (formerly Invitae), Labcorp); PubMed 19250381 (cited by Labcorp Genetics (formerly Invitae), Labcorp); PubMed 22575033 (cited by Labcorp Genetics (formerly Invitae), Labcorp); PubMed 31345219 (cited by Women's Health and Genetics/Laboratory Corporation of America, LabCorp).